The following is an entry in ClinVar:

ClinVar aggregate classification (germline): Conflicting classifications of pathogenicity. Review status: criteria provided, conflicting classifications (1 of 4 stars). 2 submissions from 2 submitters: Uncertain significance (1); Likely benign (1). Last evaluated 2023-03-01.

Conditions:
Agammaglobulinemia 3, autosomal recessive (AGM3). Also called: AGAMMAGLOBULINEMIA 3; AGAMMAGLOBULINEMIA, AUTOSOMAL RECESSIVE, DUE TO CD79A DEFECT. Identifiers: MedGen C3150751, MONDO:0013288, OMIM 613501.

Allele frequency attached by ClinVar (database versions not stated): gnomAD exomes 0.00001 and 0.00002; ExAC 0.00003; gnomAD 0.00006; TOPMed 0.00006.
gnomAD v4.1: 24 of 1,613,976 alleles (0.0015%); highest among the groups gnomAD compares: African/African-American, 0.013%; no homozygotes.

Submissions (2):

CeGaT Center for Human Genetics Tuebingen
Classification: Likely benign. Last evaluated: 2023-03-01. Review status: criteria provided, single submitter. Criteria: CeGaT Center For Human Genetics Tuebingen Variant Classification Criteria Version 2. Collection method: clinical testing. Allele origin: germline. Affected: yes. Observed: 1 variant allele.
Comment: CD79A: BP4

Labcorp Genetics (formerly Invitae), Labcorp
Classification: Uncertain significance for Agammaglobulinemia 3, autosomal recessive. Last evaluated: 2021-08-31. Review status: criteria provided, single submitter. Criteria: Invitae Variant Classification Sherloc (09022015). Collection method: clinical testing. Allele origin: germline.
Comment: This sequence change replaces arginine with histidine at codon 68 of the CD79A protein (p.Arg68His). The arginine residue is moderately conserved and there is a small physicochemical difference between arginine and histidine. This variant is present in population databases (rs782507150, ExAC 0.02%). This variant has not been reported in the literature in individuals affected with CD79A-related conditions. Algorithms developed to predict the effect of missense changes on protein structure and function output the following: SIFT: "Tolerated"; PolyPhen-2: "Benign"; Align-GVGD: "Class C0". The histidine amino acid residue is found in multiple mammalian species, which suggests that this missense change does not adversely affect protein function. In summary, the available evidence is currently insufficient to determine the role of this variant in disease. Therefore, it has been classified as a Variant of Uncertain Significance.

NM_001783.4(CD79A):c.203G>A (p.Arg68His)

Genes: CD79A (CD79a molecule; plus strand), RPS19-CD79A (RPS19-CD79A readthrough; plus strand). Cytogenetic location: 19q13.2.
Variant type: single nucleotide variant.
Coding change: c.203G>A on transcript NM_001783.4 (MANE Select); coding-DNA position 203, G replaced by A.
Protein change: p.Arg68His; replaces arginine 68 with histidine.
Molecular consequence: missense variant.
Genome position (GRCh38, 1-based): chr19:41,879,113, G>A. VCF-style: chr19-41879113-G-A. GRCh37 (hg19) VCF-style: chr19-42383183-G-A.
Other names: c.203G>A, p.Arg68His (NM_021601.4); short protein forms R68H.
Identifiers: ClinVar variation 834558 (VCV000834558.30), dbSNP rs782507150, ClinGen allele CA9465538.